The following is an entry in ClinVar:

NM_001034850.3(RETREG1):c.208T>A (p.Trp70Arg)

Genes: RETREG1 (reticulophagy regulator 1; minus strand), RETREG1-AS1 (RETREG1 antisense RNA 1; plus strand), LOC129993734 (ATAC-STARR-seq lymphoblastoid silent region 15947; plus strand). Cytogenetic location: 5p15.1.
Variant type: single nucleotide variant.
Coding change: c.208T>A on transcript NM_001034850.3 (MANE Select); coding-DNA position 208, T replaced by A.
Protein change: p.Trp70Arg; replaces tryptophan 70 with arginine.
Molecular consequence: missense variant.
Genome position (GRCh38, 1-based): chr5:16,616,764, A>T on the plus strand (T>A on the coding strand, the complement: RETREG1 is on the minus strand). VCF-style: chr5-16616764-A-T. GRCh37 (hg19) VCF-style: chr5-16616873-A-T.
Other names: short protein forms W70R.
Identifiers: ClinVar variation 664214 (VCV000664214.8), dbSNP rs1579736280, ClinGen allele CA359292789.

ClinVar aggregate classification (germline): Uncertain significance (1 of 4 stars; one submission).

Submission:

Labcorp Genetics (formerly Invitae), Labcorp
Classification: Uncertain significance. Last evaluated: 2018-08-18. Review status: criteria provided, single submitter. Criteria: Invitae Variant Classification Sherloc (09022015). Collection method: clinical testing. Allele origin: germline.
Comment: In summary, the available evidence is currently insufficient to determine the role of this variant in disease. Therefore, it has been classified as a Variant of Uncertain Significance. Algorithms developed to predict the effect of sequence changes on RNA splicing suggest that this variant may create or strengthen a splice site, but this prediction has not been confirmed by published transcriptional studies. Algorithms developed to predict the effect of missense changes on protein structure and function are either unavailable or do not agree on the potential impact of this missense change (SIFT: "Tolerated"; PolyPhen-2: "Probably Damaging"; Align-GVGD: "Class C0"). This variant has not been reported in the literature in individuals with FAM134B-related disease. While this variant is not present in population databases, the frequency information is unreliable, as metrics indicate poor data quality at this position in the ExAC database. This sequence change replaces tryptophan with arginine at codon 70 of the FAM134B protein (p.Trp70Arg). The tryptophan residue is weakly conserved and there is a moderate physicochemical difference between tryptophan and arginine.